The following is an entry in ClinVar:

ClinVar aggregate classification (germline): Uncertain significance (1 of 4 stars; one submission).

Conditions:
Charcot-Marie-Tooth disease axonal type 2U. Also called: CHARCOT-MARIE-TOOTH NEUROPATHY, TYPE 2U; CHARCOT-MARIE-TOOTH DISEASE, AXONAL, AUTOSOMAL DOMINANT, TYPE 2U. Identifiers: Orphanet 397735, MedGen C4084821, MONDO:0014566, OMIM 616280.

gnomAD v4.1: 2 of 1,614,122 alleles (0.00012%); highest among the groups gnomAD compares: Non-Finnish European, 0.000085%; no homozygotes.

Submission:

Victorian Clinical Genetics Services, Murdoch Childrens Research Institute
Classification: Uncertain significance for Charcot-Marie-Tooth disease axonal type 2U. Last evaluated: 2020-05-21. Review status: criteria provided, single submitter. Criteria: ACMG Guidelines, 2015. Collection method: clinical testing. Allele origin: germline.
Comment: Based on the classification scheme VCGS_Germline_v1.1.1, this variant is classified as VUS - 3C. Following criteria are met: 0102 - Loss-of-function is a known mechanism of disease for this gene. (N) 0108 - This gene is known to be associated with both recessive and dominant disease. (N) 0112 - Variants in this gene are known to have reduced penetrance (dominant condition). (N) 0200 - Variant is predicted to result in a missense amino acid change from leucine to phenylalanine. (N) 0251 - Variant is heterozygous. (N) 0301 - Variant is absent from gnomAD. (P) 0504 - Same amino acid change has been observed in mammals. (B) 0600 - Variant is located in an annotated domain or motif, tRNA synthetases class I (PDB). (N) 0705 - No comparable variants have previous evidence for pathogenicity. (N) 0807 - Variant has not previously been reported in a clinical context. (N) 0905 - No segregation evidence has been identified for this variant. (N) 1007 - No published functional evidence has been identified for this variant. (N) Legend: (P) - Pathogenic, (N) - Neutral, (B) - Benign

NM_004990.4(MARS1):c.916C>T (p.Leu306Phe)

Gene: MARS1 (methionyl-tRNA synthetase 1; plus strand). Cytogenetic location: 12q13.3.
Variant type: single nucleotide variant.
Coding change: c.916C>T on transcript NM_004990.4 (MANE Select); coding-DNA position 916, C replaced by T.
Protein change: p.Leu306Phe; replaces leucine 306 with phenylalanine.
Molecular consequence: missense variant.
Genome position (GRCh38, 1-based): chr12:57,498,448, C>T. VCF-style: chr12-57498448-C-T. GRCh37 (hg19) VCF-style: chr12-57892231-C-T.
Other names: short protein forms L306F.
Identifiers: ClinVar variation 3377449 (VCV003377449.1).